The following is an entry in ClinVar:

ClinVar aggregate classification (germline): Uncertain significance. Review status: criteria provided, multiple submitters, no conflicts (2 of 4 stars). 2 submissions from 2 submitters: Uncertain significance (2). Last evaluated 2025-01-06.

Conditions:
Familial acute necrotizing encephalopathy (IIAE3). Also called: ENCEPHALOPATHY, ACUTE, INFECTION-INDUCED, SUSCEPTIBILITY TO, 3; Susceptibility to Acute Necrotizing Encephalopathy 1. Identifiers: Orphanet 88619, MedGen C2675556, MONDO:0011953, OMIM 608033.

Allele frequency attached by ClinVar (database versions not stated): TOPMed 0.00004.
gnomAD v4.1: 3 of 1,608,678 alleles (0.00019%); highest among the groups gnomAD compares: African/African-American, 0.004%; no homozygotes.

Submissions (2):

Labcorp Genetics (formerly Invitae), Labcorp
Classification: Uncertain significance for Familial acute necrotizing encephalopathy. Last evaluated: 2025-01-06. Review status: criteria provided, single submitter. Criteria: Invitae Variant Classification Sherloc (09022015). Collection method: clinical testing. Allele origin: germline.
Comment: This sequence change replaces histidine, which is basic and polar, with proline, which is neutral and non-polar, at codon 632 of the RANBP2 protein (p.His632Pro). This variant is not present in population databases (gnomAD no frequency). This variant has not been reported in the literature in individuals affected with RANBP2-related conditions. ClinVar contains an entry for this variant (Variation ID: 1367785). An algorithm developed to predict the effect of missense changes on protein structure and function (PolyPhen-2) suggests that this variant is likely to be tolerated. In summary, the available evidence is currently insufficient to determine the role of this variant in disease. Therefore, it has been classified as a Variant of Uncertain Significance.

Ambry Genetics
Classification: Uncertain significance. Last evaluated: 2023-07-05. Review status: criteria provided, single submitter. Criteria: Ambry Variant Classification Scheme 2023. Collection method: clinical testing. Allele origin: germline.

NM_006267.5(RANBP2):c.1895A>C (p.His632Pro)

Gene: RANBP2 (RAN binding protein 2; plus strand). Cytogenetic location: 2q13.
Variant type: single nucleotide variant.
Coding change: c.1895A>C on transcript NM_006267.5 (MANE Select); coding-DNA position 1895, A replaced by C.
Protein change: p.His632Pro; replaces histidine 632 with proline.
Molecular consequence: missense variant.
Genome position (GRCh38, 1-based): chr2:108,753,137, A>C. VCF-style: chr2-108753137-A-C. GRCh37 (hg19) VCF-style: chr2-109369593-A-C.
Other names: c.1895A>C (NM_006267.4); short protein forms H632P.
Identifiers: ClinVar variation 1367785 (VCV001367785.10), dbSNP rs749941285, ClinGen allele CA53444431.